The following is an entry in ClinVar:

NM_024422.6(DSC2):c.1936T>A (p.Tyr646Asn)

Gene: DSC2 (desmocollin 2; minus strand). Cytogenetic location: 18q12.1.
Variant type: single nucleotide variant.
Coding change: c.1936T>A on transcript NM_024422.6 (MANE Select); coding-DNA position 1936, T replaced by A.
Protein change: p.Tyr646Asn; replaces tyrosine 646 with asparagine.
Molecular consequence: missense variant.
Genome position (GRCh38, 1-based): chr18:31,071,794, A>T on the plus strand (T>A on the coding strand, the complement: DSC2 is on the minus strand). VCF-style: chr18-31071794-A-T. GRCh37 (hg19) VCF-style: chr18-28651760-A-T.
Other names: c.1507T>A, p.Tyr503Asn (NM_001406506.1, NM_001406507.1); c.1936T>A, p.Tyr646Asn (NM_004949.5); short protein forms Y503N, Y646N.
Identifiers: ClinVar variation 2745286 (VCV002745286.3), dbSNP rs2510940665, ClinGen allele CA402113354.

ClinVar aggregate classification (germline): Uncertain significance (1 of 4 stars; one submission).

Conditions:
Arrhythmogenic right ventricular dysplasia 11. Also called: ARRHYTHMOGENIC RIGHT VENTRICULAR DYSPLASIA, FAMILIAL, 11; Arrhythmogenic Right Ventricular Dysplasia/Cardiomyopathy11; Arrhythmogenic right ventricular dysplasia 11 with mild palmoplantar keratoderma and woolly hair. Identifiers: MedGen C1864850, MONDO:0012506, OMIM 610476.

Submission:

Labcorp Genetics (formerly Invitae), Labcorp
Classification: Uncertain significance for Arrhythmogenic right ventricular dysplasia 11. Last evaluated: 2024-07-24. Review status: criteria provided, single submitter. Criteria: Invitae Variant Classification Sherloc (09022015). Collection method: clinical testing. Allele origin: germline.
Comment: This sequence change replaces tyrosine, which is neutral and polar, with asparagine, which is neutral and polar, at codon 646 of the DSC2 protein (p.Tyr646Asn). This variant is not present in population databases (gnomAD no frequency). This variant has not been reported in the literature in individuals affected with DSC2-related conditions. Advanced modeling of protein sequence and biophysical properties (such as structural, functional, and spatial information, amino acid conservation, physicochemical variation, residue mobility, and thermodynamic stability) performed at Invitae indicates that this missense variant is expected to disrupt DSC2 protein function with a positive predictive value of 80%. In summary, the available evidence is currently insufficient to determine the role of this variant in disease. Therefore, it has been classified as a Variant of Uncertain Significance.